The following is an entry in ClinVar:

ClinVar aggregate classification (germline): Uncertain significance (1 of 4 stars; one submission).

gnomAD v4.1: 26 of 1,207,688 alleles (0.0022%); highest among the groups gnomAD compares: Non-Finnish European, 0.0029%; no homozygotes.

Submission:

Labcorp Genetics (formerly Invitae), Labcorp
Classification: Uncertain significance. Last evaluated: 2025-09-20. Review status: criteria provided, single submitter. Criteria: Invitae Variant Classification Sherloc (09022015). Collection method: clinical testing. Allele origin: germline.
Comment: This sequence change replaces serine, which is neutral and polar, with asparagine, which is neutral and polar, at codon 144 of the ALAS2 protein (p.Ser144Asn). This variant is present in population databases (rs143527666, gnomAD 0.01%). This variant has not been reported in the literature in individuals affected with ALAS2-related conditions. Invitae Evidence Modeling of protein sequence and biophysical properties (such as structural, functional, and spatial information, amino acid conservation, physicochemical variation, residue mobility, and thermodynamic stability) indicates that this missense variant is not expected to disrupt ALAS2 protein function with a negative predictive value of 95%. In summary, the available evidence is currently insufficient to determine the role of this variant in disease. Therefore, it has been classified as a Variant of Uncertain Significance.

NM_000032.5(ALAS2):c.431G>A (p.Ser144Asn)

Gene: ALAS2 (5'-aminolevulinate synthase 2; minus strand). Cytogenetic location: Xp11.21.
Variant type: single nucleotide variant.
Coding change: c.431G>A on transcript NM_000032.5 (MANE Select); coding-DNA position 431, G replaced by A.
Protein change: p.Ser144Asn; replaces serine 144 with asparagine.
Molecular consequence: missense variant.
Genome position (GRCh38, 1-based): chrX:55,021,259, C>T on the plus strand (G>A on the coding strand, the complement: ALAS2 is on the minus strand). VCF-style: chrX-55021259-C-T. GRCh37 (hg19) VCF-style: chrX-55047692-C-T.
Other names: c.320G>A, p.Ser107Asn (NM_001037967.4); c.392G>A, p.Ser131Asn (NM_001037968.4); short protein forms S144N, S131N, S107N.
Identifiers: ClinVar variation 4695284 (VCV004695284.1).